The following is an entry in ClinVar:

ClinVar aggregate classification (germline): Uncertain significance (1 of 4 stars; one submission).

Conditions:
Inborn genetic diseases. Identifiers: MedGen C0950123, MeSH D030342.

Submission:

Ambry Genetics
Classification: Uncertain significance for Inborn genetic diseases. Last evaluated: 2026-09-10. Review status: criteria provided, single submitter. Criteria: Ambry Variant Classification Scheme 2023. Collection method: clinical testing. Allele origin: germline.
Comment: The c.1015G>T (p.V339F) alteration is located in exon 11 (coding exon 10) of the TRAF7 gene. This alteration results from a G to T substitution at nucleotide position 1015, causing the valine (V) at amino acid position 339 to be replaced by a phenylalanine (F). This variant was not reported in population-based cohorts in the Genome Aggregation Database (gnomAD). This amino acid position is highly conserved in available vertebrate species. This alteration is predicted to be tolerated by in silico analysis. Based on insufficient or conflicting evidence, the clinical significance of this alteration remains unclear.

NM_032271.3(TRAF7):c.1015G>T (p.Val339Phe)

Gene: TRAF7 (TNF receptor associated factor 7; plus strand). Cytogenetic location: 16p13.3.
Variant type: single nucleotide variant.
Coding change: c.1015G>T on transcript NM_032271.3 (MANE Select); coding-DNA position 1015, G replaced by T.
Protein change: p.Val339Phe; replaces valine 339 with phenylalanine.
Molecular consequence: missense variant.
Genome position (GRCh38, 1-based): chr16:2,173,483, G>T. VCF-style: chr16-2173483-G-T. GRCh37 (hg19) VCF-style: chr16-2223484-G-T.
Other names: short protein forms V339F.
Identifiers: ClinVar variation 5031089 (VCV005031089.1).
Genomic context (GRCh38, chr16:2,173,483, plus strand): 5'-CAGGGGCCTGGCCACTGCTCCGGGCACCAGTGACACCCCCTCTCCTCCTGCTACTCAGAC[G>T]TCCTGGACGAAAACCAGAGCAAGCTCAGCGAGGACCTCATGGAGTTCCGGCGGGACGCAT-3'
Protein context (NP_115647.2, residues 329-349): LEKSLELKFD[Val339Phe]LDENQSKLSE